The following is an entry in ClinVar:

NM_018076.5(ODAD2):c.2083A>G (p.Met695Val)

Gene: ODAD2 (outer dynein arm docking complex subunit 2; minus strand). Cytogenetic location: 10p12.1.
Variant type: single nucleotide variant.
Coding change: c.2083A>G on transcript NM_018076.5 (MANE Select); coding-DNA position 2083, A replaced by G.
Protein change: p.Met695Val; replaces methionine 695 with valine.
Molecular consequence: missense variant.
Genome position (GRCh38, 1-based): chr10:27,939,911, T>C on the plus strand (A>G on the coding strand, the complement: ODAD2 is on the minus strand). VCF-style: chr10-27939911-T-C. GRCh37 (hg19) VCF-style: chr10-28228840-T-C.
Other names: c.2083A>G, p.Met695Val (NM_001290020.2); c.658A>G, p.Met220Val (NM_001290021.2); c.1159A>G, p.Met387Val (NM_001312689.2); short protein forms M220V, M387V, M695V.
Identifiers: ClinVar variation 1681360 (VCV001681360.6), dbSNP rs1035929134, ClinGen allele CA204516255.

ClinVar aggregate classification (germline): Uncertain significance (1 of 4 stars; one submission).

Conditions:
Primary ciliary dyskinesia 23 (CILD23). Also called: CILIARY DYSKINESIA, PRIMARY, 23, WITH OR WITHOUT SITUS INVERSUS. Identifiers: Orphanet 244, MedGen C3809548, MONDO:0014193, OMIM 615451.

Allele frequency attached by ClinVar (database versions not stated): TOPMed 0.00001; gnomAD 0.00001; gnomAD exomes below 0.00001.

Submission:

Labcorp Genetics (formerly Invitae), Labcorp
Classification: Uncertain significance for Primary ciliary dyskinesia 23. Last evaluated: 2024-12-26. Review status: criteria provided, single submitter. Criteria: Invitae Variant Classification Sherloc (09022015). Collection method: clinical testing. Allele origin: germline.
Comment: This sequence change replaces methionine, which is neutral and non-polar, with valine, which is neutral and non-polar, at codon 695 of the ARMC4 protein (p.Met695Val). The frequency data for this variant in the population databases is considered unreliable, as metrics indicate poor data quality at this position in the gnomAD database. This variant has not been reported in the literature in individuals affected with ARMC4-related conditions. ClinVar contains an entry for this variant (Variation ID: 1681360). An algorithm developed to predict the effect of missense changes on protein structure and function (PolyPhen-2) suggests that this variant is likely to be tolerated. In summary, the available evidence is currently insufficient to determine the role of this variant in disease. Therefore, it has been classified as a Variant of Uncertain Significance.